The following is an entry in ClinVar:

ClinVar aggregate classification (germline): Uncertain significance (1 of 4 stars; one submission).

Conditions:
Tibial muscular dystrophy (TMD). Also called: UDD MYOPATHY; Udd Distal Myopathy – Tibial Muscular Dystrophy; Tibial muscular dystrophy, tardive. Identifiers: Orphanet 609, MedGen C1838244, MONDO:0010870, OMIM 600334.

Allele frequency attached by ClinVar (database versions not stated): TOPMed below 0.00001.

Submission:

Centre for Mendelian Genomics, University Medical Centre Ljubljana
Classification: Uncertain significance for Tibial muscular dystrophy. Last evaluated: 2019-03-07. Review status: criteria provided, single submitter. Criteria: ACMG Guidelines, 2015. Collection method: clinical testing. Allele origin: unknown. Affected: yes.
Comment: This variant was classified as: Uncertain significance. The available evidence on this variant's pathogenicity is insufficient or conflicting. The following ACMG criteria were applied in classifying this variant: PM2,BP1.

NM_001267550.2(TTN):c.27152G>C (p.Ser9051Thr)

Gene: TTN (titin; minus strand). Cytogenetic location: 2q31.2.
Variant type: single nucleotide variant.
Coding change: c.27152G>C on transcript NM_001267550.2 (MANE Select); coding-DNA position 27152, G replaced by C.
Protein change: p.Ser9051Thr; replaces serine 9051 with threonine.
Molecular consequence: missense variant. On other transcripts: intron variant (3).
Genome position (GRCh38, 1-based): chr2:178,712,873, C>G on the plus strand (G>C on the coding strand, the complement: TTN is on the minus strand). VCF-style: chr2-178712873-C-G. GRCh37 (hg19) VCF-style: chr2-179577600-C-G.
Other names: c.26201G>C, p.Ser8734Thr (NM_001256850.1); c.23420G>C, p.Ser7807Thr (NM_133378.4); c.13282+25209G>C (NM_003319.4); c.13858+25209G>C (NM_133437.4); c.13657+25209G>C (NM_133432.3); short protein forms S8734T, S7807T, S9051T.
Identifiers: ClinVar variation 930810 (VCV000930810.3), dbSNP rs2076871733, ClinGen allele CA349456832.